The following is an entry in ClinVar:

NM_002971.6(SATB1):c.1794ACAGCA[1] (p.Gln606_Gln607del)

Gene: SATB1 (SATB homeobox 1; minus strand). Cytogenetic location: 3p24.3.
Variant type: Microsatellite.
Coding change: c.1794ACAGCA[1] on transcript NM_002971.6 (MANE Select); one copy of the 6-base unit ACAGCA starting at c.1794; the reference has two copies in a row; one copy, 6 bases deleted.
Protein change: p.Gln606_Gln607del.
Molecular consequence: inframe deletion.
Genome position (GRCh38, 1-based): chr3:18,349,657-18,349,662, TGCTGT deleted on the plus strand (ACAGCA on the coding strand, the reverse complement: SATB1 is on the minus strand); deleting any 6 consecutive bases within chr3:18,349,657-18,349,673 gives the same sequence; the position shown is the placement nearest the transcript's 3' end. VCF-style (leftmost placement, unchanged base first): chr3-18349656-CTGCTGT-C. GRCh37 (hg19) VCF-style: chr3-18391148-CTGCTGT-C.
Other names: c.1794ACAGCA[1], p.Gln606_Gln607del (NM_001322873.2, NM_001322874.2, NM_001322875.2 and 2 more transcripts); c.1578ACAGCA[1], p.Gln534_Gln535del (NM_001322876.2); c.1890ACAGCA[1], p.Gln638_Gln639del (NM_001195470.3, NM_001322871.2).
Identifiers: ClinVar variation 3024705 (VCV003024705.23), dbSNP rs757019065, ClinGen allele CA2281926.

ClinVar aggregate classification (germline): Likely benign. Review status: criteria provided, multiple submitters, no conflicts (2 of 4 stars). 2 submissions from 2 submitters: Likely benign (2). Last evaluated 2025-02-16.

Submissions (2):

Laboratory of Genetics, Children's Clinical University Hospital Latvia
Classification: Likely benign. Last evaluated: 2025-02-16. Review status: criteria provided, single submitter. Criteria: ACMG Guidelines, 2015. Collection method: clinical testing. Allele origin: germline. Affected: yes.

CeGaT Center for Human Genetics Tuebingen
Classification: Likely benign. Last evaluated: 2024-02-01. Review status: criteria provided, single submitter. Criteria: CeGaT Center For Human Genetics Tuebingen Variant Classification Criteria Version 2. Collection method: clinical testing. Allele origin: germline. Affected: yes. Observed: 1 variant allele.
Comment: SATB1: BS1